The following is an entry in ClinVar:

ClinVar aggregate classification (germline): Uncertain significance (1 of 4 stars; one submission).

Submission:

Labcorp Genetics (formerly Invitae), Labcorp
Classification: Uncertain significance. Last evaluated: 2025-12-09. Review status: criteria provided, single submitter. Criteria: Invitae Variant Classification Sherloc (09022015). Collection method: clinical testing. Allele origin: germline.
Comment: This sequence change replaces alanine, which is neutral and non-polar, with valine, which is neutral and non-polar, at codon 268 of the TGFB1 protein (p.Ala268Val). This variant is not present in population databases (gnomAD no frequency). This variant has not been reported in the literature in individuals affected with TGFB1-related conditions. ClinVar contains an entry for this variant (Variation ID: 2812615). An algorithm developed to predict the effect of missense changes on protein structure and function (PolyPhen-2) suggests that this variant is likely to be tolerated. In summary, the available evidence is currently insufficient to determine the role of this variant in disease. Therefore, it has been classified as a Variant of Uncertain Significance.

NM_000660.7(TGFB1):c.803C>T (p.Ala268Val)

Gene: TGFB1 (transforming growth factor beta 1; minus strand). Cytogenetic location: 19q13.2.
Variant type: single nucleotide variant.
Coding change: c.803C>T on transcript NM_000660.7 (MANE Select); coding-DNA position 803, C replaced by T.
Protein change: p.Ala268Val; replaces alanine 268 with valine.
Molecular consequence: missense variant.
Genome position (GRCh38, 1-based): chr19:41,341,940, G>A on the plus strand (C>T on the coding strand, the complement: TGFB1 is on the minus strand). VCF-style: chr19-41341940-G-A. GRCh37 (hg19) VCF-style: chr19-41847845-G-A.
Other names: short protein forms A268V.
Identifiers: ClinVar variation 2812615 (VCV002812615.3), dbSNP rs2513381164, ClinGen allele CA405999376.